The following is an entry in ClinVar:

ClinVar aggregate classification (germline): Uncertain significance. Review status: criteria provided, multiple submitters, no conflicts (2 of 4 stars). 4 submissions from 4 submitters: Uncertain significance (4). Last evaluated 2025-07-16.

Conditions:
Classic or attenuated familial adenomatous polyposis. Identifiers: MedGen CN372698, MONDO:0021057.
Hereditary cancer-predisposing syndrome. Also called: Hereditary Cancer Syndrome; Neoplastic Syndromes, Hereditary; Hereditary neoplastic syndrome; Tumor predisposition. Identifiers: Orphanet 140162, MedGen C0027672, MeSH D009386, MONDO:0015356.
Familial adenomatous polyposis 1 (FAP1). Also called: FAMILIAL ADENOMATOUS POLYPOSIS 1, ATTENUATED; POLYPOSIS, ADENOMATOUS INTESTINAL. Identifiers: MedGen C2713442, MONDO:0021056, OMIM 175100. Disease mechanism: loss of function.

Allele frequency attached by ClinVar (database versions not stated): gnomAD exomes below 0.00001.
gnomAD v4.1: 3 of 1,614,242 alleles (0.00019%); highest among the groups gnomAD compares: Non-Finnish European, 0.00025%; no homozygotes.

Submissions (4):

Labcorp Genetics (formerly Invitae), Labcorp
Classification: Uncertain significance for Familial adenomatous polyposis 1. Last evaluated: 2025-07-16. Review status: criteria provided, single submitter. Criteria: Invitae Variant Classification Sherloc (09022015). Collection method: clinical testing. Allele origin: germline.
Comment: This sequence change replaces arginine, which is basic and polar, with glycine, which is neutral and non-polar, at codon 976 of the APC protein (p.Arg976Gly). This variant is not present in population databases (gnomAD no frequency). This variant has not been reported in the literature in individuals affected with APC-related conditions. ClinVar contains an entry for this variant (Variation ID: 142953). Invitae Evidence Modeling of protein sequence and biophysical properties (such as structural, functional, and spatial information, amino acid conservation, physicochemical variation, residue mobility, and thermodynamic stability) indicates that this missense variant is not expected to disrupt APC protein function with a negative predictive value of 95%. In summary, the available evidence is currently insufficient to determine the role of this variant in disease. Therefore, it has been classified as a Variant of Uncertain Significance.

Color Diagnostics, LLC DBA Color Health
Classification: Uncertain significance for Hereditary cancer-predisposing syndrome. Last evaluated: 2024-05-06. Review status: criteria provided, single submitter. Criteria: ACMG Guidelines, 2015. Collection method: clinical testing. Allele origin: germline.
Comment: This missense variant replaces arginine with glycine at codon 976 of the APC protein. Computational prediction suggests that this variant may have deleterious impact on protein structure and function (internally defined REVEL score threshold >= 0.7, PMID: 27666373). To our knowledge, functional studies have not been reported for this variant. This variant has not been reported in individuals affected with APC-related disorders in the literature. This variant has not been identified in the general population by the Genome Aggregation Database (gnomAD). The available evidence is insufficient to determine the role of this variant in disease conclusively. Therefore, this variant is classified as a Variant of Uncertain Significance.

All of Us Research Program, National Institutes of Health
Classification: Uncertain significance for Classic or attenuated familial adenomatous polyposis. Last evaluated: 2024-03-28. Review status: criteria provided, single submitter. Criteria: ACMG Guidelines, 2015. Collection method: clinical testing. Allele origin: germline. Inheritance: Autosomal dominant inheritance. Observed: 1 variant allele, 1 heterozygote.
Comment: This study involves interpretation of variants in research participants for the purpose of population health screening. Participant phenotype was not available at the time of variant classification. Additional details can be found in publication PMID: 35346344, PMCID: PMC8962531

Ambry Genetics
Classification: Uncertain significance for Hereditary cancer-predisposing syndrome. Last evaluated: 2024-03-14. Review status: criteria provided, single submitter. Criteria: Ambry Variant Classification Scheme 2023. Collection method: clinical testing. Allele origin: germline.
Comment: The p.R976G variant (also known as c.2926A>G), located in coding exon 15 of the APC gene, results from an A to G substitution at nucleotide position 2926. The arginine at codon 976 is replaced by glycine, an amino acid with dissimilar properties. This amino acid position is highly conserved in available vertebrate species. In addition, in silico predictors for this gene do not accurately predict pathogenicity. Since supporting evidence is limited at this time, the clinical significance of this alteration remains unclear.

NM_000038.6(APC):c.2926A>G (p.Arg976Gly)

Gene: APC (APC regulator of Wnt signaling pathway; plus strand). Cytogenetic location: 5q22.2.
Variant type: single nucleotide variant.
Coding change: c.2926A>G on transcript NM_000038.6 (MANE Select); coding-DNA position 2926, A replaced by G.
Protein change: p.Arg976Gly; replaces arginine 976 with glycine.
Molecular consequence: missense variant.
Genome position (GRCh38, 1-based): chr5:112,838,520, A>G. VCF-style: chr5-112838520-A-G. GRCh37 (hg19) VCF-style: chr5-112174217-A-G.
Other names: c.2803A>G, p.Arg935Gly (NM_001354900.2); c.2749A>G, p.Arg917Gly (NM_001354901.2); c.2653A>G, p.Arg885Gly (NM_001354902.2); c.2623A>G, p.Arg875Gly (NM_001354903.2); c.2548A>G, p.Arg850Gly (NM_001354904.2); c.2446A>G, p.Arg816Gly (NM_001354905.2); c.2077A>G, p.Arg693Gly (NM_001354906.2); c.2926A>G, p.Arg976Gly (NM_001127510.3, NM_001354895.2); and 5 more; short protein forms R958G, R976G, R885G, R935G, R948G, R951G, R816G, R693G.
Identifiers: ClinVar variation 142953 (VCV000142953.18), dbSNP rs587782846, ClinGen allele CA007899.